The following is an entry in ClinVar:

ClinVar aggregate classification (germline): Pathogenic/Likely pathogenic. Review status: criteria provided, multiple submitters, no conflicts (2 of 4 stars). 9 submissions from 9 submitters: Pathogenic (4); Likely pathogenic (1). 4 of the submissions do not count toward it. Last evaluated 2026-03-16.

Conditions:
Cowden syndrome 3 (CWS3). Identifiers: Orphanet 201, MedGen CN166604, MONDO:0014045.
Paragangliomas with sensorineural hearing loss. Identifiers: MedGen C1868633.
Pheochromocytoma. Also called: MAX-Related Hereditary Paraganglioma-Pheochromocytoma Syndrome. Identifiers: Orphanet 29072, MedGen C0031511, MONDO:0008233, OMIM 171300, HP:0002666.
Carney-Stratakis syndrome. Also called: PARAGANGLIOMA AND GASTROINTESTINAL STROMAL TUMOR. Identifiers: Orphanet 97286, MedGen C1847319, MONDO:0011740, OMIM 606864.
Hereditary cancer-predisposing syndrome. Also called: Hereditary neoplastic syndrome; Neoplastic Syndromes, Hereditary; Tumor predisposition; Hereditary Cancer Syndrome. Identifiers: Orphanet 140162, MedGen C0027672, MeSH D009386, MONDO:0015356.
Hereditary pheochromocytoma and paraganglioma. Also called: Hereditary pheochromocytoma-paraganglioma; Hereditary Paraganglioma-Pheochromocytoma Syndromes; Hereditary paragangliomas and pheochromocytomas. Identifiers: Orphanet 29072, MedGen C4274332, MONDO:0017366.
Pheochromocytoma/paraganglioma syndrome 4. Also called: CAROTID BODY TUMORS AND MULTIPLE EXTRAADRENAL PHEOCHROMOCYTOMAS; SDHB-Related Hereditary Paraganglioma-Pheochromocytoma Syndrome; SDHB-Related Hereditary Paraganglioma-Pheochromocytoma Syndrome (Paragangliomas 4); Paragangliomas 4; PARAGANGLIOMA, FAMILIAL MALIGNANT; PARAGANGLIOMAS, HEREDITARY EXTRAADRENAL. Identifiers: Orphanet 29072, MedGen C1861848, MONDO:0007273, OMIM 115310.
Pheochromocytoma/paraganglioma syndrome 1. Also called: Paragangliomas 1; SDHD-Related Hereditary Paraganglioma-Pheochromocytoma Syndrome; Paraganglioma - glomus jugulare; PARAGANGLIOMAS, FAMILIAL NONCHROMAFFIN, 1; PGL 1; Paragangliomas familial 1. Identifiers: Orphanet 29072, MedGen C3494181, MONDO:0008192, OMIM 168000.

Allele frequency attached by ClinVar (database versions not stated): gnomAD 0.00001.
gnomAD v4.1: 1 of 1,614,042 alleles (0.000062%); highest among the groups gnomAD compares: Non-Finnish European, 0.000085%; no homozygotes.

Submissions (9):

Ambry Genetics
Classification: Pathogenic for Hereditary cancer-predisposing syndrome. Last evaluated: 2026-03-16. Review status: criteria provided, single submitter. Criteria: Ambry Variant Classification Scheme 2023. Collection method: clinical testing. Allele origin: germline.
Comment: The p.D92Y variant (also known as c.274G>T), located in coding exon 3 of the SDHD gene, results from a G to T substitution at nucleotide position 274. The aspartic acid at codon 92 is replaced by tyrosine, an amino acid with highly dissimilar properties. This alteration has been detected in multiple individuals with paragangliomas and is noted to be a founder mutation in the Dutch population (Taschner PE et al. Genes Chromosomes Cancer, 2001 Jul;31:274-81; Bayley JP et al. BMC Med. Genet., 2014 Oct;15:111; Hensen EF et al. Eur. J. Hum. Genet., 2010 Jan;18:62-6; Hensen EF et al. Clin. Genet., 2012 Mar;81:284-8; Baysal BE et al. Science, 2000 Feb;287:848-51; van Schothorst EM et al. Am. J. Hum. Genet., 1998 Aug;63:468-73, Ambry internal data). In addition, this alteration has been shown to strongly segregate with paragangliomas in a large multi-generational family (Hensen EF et al. Eur. J. Hum. Genet., 2010 Jan;18:62-6). This variant is considered to be rare based on population cohorts in the Genome Aggregation Database (gnomAD). This amino acid position is completely conserved in available vertebrate species. In addition, this alteration is predicted to be deleterious by in silico analysis. Based on the supporting evidence, this alteration is interpreted as a disease-causing mutation.

Labcorp Genetics (formerly Invitae), Labcorp
Classification: Pathogenic for Carney-Stratakis syndrome; Paragangliomas with sensorineural hearing loss; Pheochromocytoma; Cowden syndrome 3. Last evaluated: 2025-07-19. Review status: criteria provided, single submitter. Criteria: Invitae Variant Classification Sherloc (09022015). Collection method: clinical testing. Allele origin: germline.
Comment: This sequence change replaces aspartic acid, which is acidic and polar, with tyrosine, which is neutral and polar, at codon 92 of the SDHD protein (p.Asp92Tyr). RNA analysis indicates that this missense change induces altered splicing and likely disrupts the C-terminus of the protein. This variant is not present in population databases (gnomAD no frequency). This missense change has been observed in individual(s) with paraganglioma and pheochromocytoma (PMID: 19584903, 21348866). It is commonly reported in individuals of Dutch ancestry (PMID: 19584903, 21348866). ClinVar contains an entry for this variant (Variation ID: 6897). Invitae Evidence Modeling of protein sequence and biophysical properties (such as structural, functional, and spatial information, amino acid conservation, physicochemical variation, residue mobility, and thermodynamic stability) indicates that this missense variant is expected to disrupt SDHD protein function with a positive predictive value of 95%. Experimental studies have shown that this missense change affects SDHD function (PMID: 26008905). Studies have shown that this missense change results in skipping of exon 3 and introduces a new termination codon (internal data). However the mRNA is not expected to undergo nonsense-mediated decay. For these reasons, this variant has been classified as Pathogenic.

Department of Clinical Genetics, Copenhagen University Hospital, Rigshospitalet
Classification: Pathogenic for Hereditary pheochromocytoma and paraganglioma. Last evaluated: 2025-01-24. Review status: criteria provided, single submitter. Criteria: ACMG Guidelines, 2015. Collection method: clinical testing. Allele origin: germline.
Comment: The following ACMG criteria have been used in classification: PM2_SUP; PS4; PP1; PP3; PS3

MGZ Medical Genetics Center
Classification: Pathogenic for Pheochromocytoma/paraganglioma syndrome 4. Last evaluated: 2022-01-17. Review status: criteria provided, single submitter. Criteria: ACMG Guidelines, 2015. Collection method: clinical testing. Allele origin: germline. Affected: yes. Observed: 1 variant allele.
Comment: ACMG criteria applied: PS4, PP1_STR, PM2_SUP, PP3

Revvity Omics, Revvity
Classification: Likely pathogenic. Last evaluated: 2020-09-09. Review status: criteria provided, single submitter. Criteria: ACMG Guidelines, 2015. Collection method: clinical testing. Allele origin: germline.

OMIM
Classification: Pathogenic for PHEOCHROMOCYTOMA/PARAGANGLIOMA SYNDROME 1. Last evaluated: 2012-03-01. Review status: no assertion criteria provided. Collection method: literature only. Allele origin: germline. Not counted in ClinVar's aggregate classification.

GeneReviews
No classification provided. Condition: Hereditary pheochromocytoma and paraganglioma. Review status: no classification provided. Collection method: literature only. Allele origin: unknown. Not counted in ClinVar's aggregate classification.

Genome Diagnostics Laboratory, University Medical Center Utrecht
Classification: Pathogenic. Review status: no assertion criteria provided. Collection method: clinical testing. Allele origin: germline. Affected: yes. Study: VKGL Data-share Consensus. Not counted in ClinVar's aggregate classification.

Joint Genome Diagnostic Labs from Nijmegen and Maastricht, Radboudumc and MUMC+
Classification: Pathogenic. Review status: no assertion criteria provided. Collection method: clinical testing. Allele origin: germline. Affected: yes. Study: VKGL Data-share Consensus. Not counted in ClinVar's aggregate classification.

Literature cited by the submitters: PubMed 10657297 (cited by 3 submitters); PubMed 11391798 (cited by Ambry Genetics and GeneReviews); PubMed 19584903 (cited by Ambry Genetics and Labcorp Genetics (formerly Invitae), Labcorp); PubMed 21348866 (cited by 3 submitters); PubMed 25300370 (cited by Ambry Genetics); PubMed 26008905 (cited by 3 submitters); PubMed 9683583 (cited by Ambry Genetics); PubMed 27279923 (cited by Department of Clinical Genetics, Copenhagen University Hospital, Rigshospitalet); PubMed 12000816 (cited by OMIM and GeneReviews); PubMed 12114404 (cited by GeneReviews); PubMed 20301715 (cited by GeneReviews); NCBI Bookshelf NBK1548 (cited by GeneReviews).

NM_003002.4(SDHD):c.274G>T (p.Asp92Tyr)

Gene: SDHD (succinate dehydrogenase complex subunit D; plus strand). Cytogenetic location: 11q23.1.
Variant type: single nucleotide variant.
Coding change: c.274G>T on transcript NM_003002.4 (MANE Select); coding-DNA position 274, G replaced by T.
Protein change: p.Asp92Tyr; replaces aspartic acid 92 with tyrosine.
Molecular consequence: missense variant. On other transcripts: non-coding transcript variant (1), intron variant (1).
Genome position (GRCh38, 1-based): chr11:112,088,971, G>T. VCF-style: chr11-112088971-G-T. GRCh37 (hg19) VCF-style: chr11-111959695-G-T.
Other names: c.157G>T, p.Asp53Tyr (NM_001276504.2); c.274G>T, p.Asp92Tyr (NM_001276506.2); c.169+998G>T (NM_001276503.2); short protein forms D92Y, D53Y.
Identifiers: ClinVar variation 6897 (VCV000006897.30), dbSNP rs80338845, ClinGen allele CA016702.